The following is an entry in ClinVar:

NM_001370259.2(MEN1):c.361dup (p.Val121fs)

Gene: MEN1 (menin 1; minus strand). Cytogenetic location: 11q13.1.
Variant type: Duplication.
Coding change: c.361dup on transcript NM_001370259.2 (MANE Select); coding-DNA position 361, one base duplicated (G; older notation c.361dupG).
Protein change: p.Val121fs; shifts the reading frame from valine 121.
Molecular consequence: frameshift variant. On other transcripts: non-coding transcript variant (4).
Genome position (GRCh38, 1-based): chr11:64,809,749, C duplicated on the plus strand (G on the coding strand, the reverse complement: MEN1 is on the minus strand); the first of 2 consecutive C bases (chr11:64,809,749-64,809,750); duplicating either gives the same sequence. VCF-style (leftmost placement, unchanged base first): chr11-64809748-A-AC. GRCh37 (hg19) VCF-style: chr11-64577220-A-AC.
Other names: c.361dup, p.Val121fs (NM_001370260.2, NM_001370261.2, NM_001370262.2 and 20 more transcripts); short protein forms V121fs.
Identifiers: ClinVar variation 4731953 (VCV004731953.1).

ClinVar aggregate classification (germline): Pathogenic (1 of 4 stars; one submission).

Conditions:
Multiple endocrine neoplasia, type 1 (MEN1). Also called: MEN I; WERMER SYNDROME; Endocrine adenomatosis multiple; MEN 1; MEA I. Identifiers: Orphanet 652, MedGen C0025267, MeSH D018761, MONDO:0007540, OMIM 131100.

Submission:

Labcorp Genetics (formerly Invitae), Labcorp
Classification: Pathogenic for Multiple endocrine neoplasia, type 1. Last evaluated: 2025-11-25. Review status: criteria provided, single submitter. Criteria: Invitae Variant Classification Sherloc (09022015). Collection method: clinical testing. Allele origin: germline.
Comment: This sequence change creates a premature translational stop signal (p.Val121Glyfs*59) in the MEN1 gene. It is expected to result in an absent or disrupted protein product. Loss-of-function variants in MEN1 are known to be pathogenic (PMID: 12112656, 17853334). This variant is not present in population databases (gnomAD no frequency). This variant has not been reported in the literature in individuals affected with MEN1-related conditions. For these reasons, this variant has been classified as Pathogenic.

Literature cited by the submitters: PubMed 12112656; PubMed 17853334.